The following is an entry in ClinVar:

ClinVar aggregate classification (germline): Uncertain significance (1 of 4 stars; one submission).

Allele frequency attached by ClinVar (database versions not stated): ExAC 0.00001; gnomAD exomes 0.00001.
gnomAD v4.1: 6 of 1,614,112 alleles (0.00037%); highest among the groups gnomAD compares: Non-Finnish European, 0.00051%; no homozygotes.

Submission:

Labcorp Genetics (formerly Invitae), Labcorp
Classification: Uncertain significance. Last evaluated: 2023-08-04. Review status: criteria provided, single submitter. Criteria: Invitae Variant Classification Sherloc (09022015). Collection method: clinical testing. Allele origin: germline.
Comment: This missense change has been observed in individual(s) with deafness (Invitae). This sequence change replaces phenylalanine, which is neutral and non-polar, with serine, which is neutral and polar, at codon 3418 of the MYO15A protein (p.Phe3418Ser). This variant is not present in population databases (gnomAD no frequency). ClinVar contains an entry for this variant (Variation ID: 1447471). Advanced modeling of protein sequence and biophysical properties (such as structural, functional, and spatial information, amino acid conservation, physicochemical variation, residue mobility, and thermodynamic stability) has been performed at Invitae for this missense variant, however the output from this modeling did not meet the statistical confidence thresholds required to predict the impact of this variant on MYO15A protein function. In summary, the available evidence is currently insufficient to determine the role of this variant in disease. Therefore, it has been classified as a Variant of Uncertain Significance.

NM_016239.4(MYO15A):c.10253T>C (p.Phe3418Ser)

Gene: MYO15A (myosin XVA; plus strand). Cytogenetic location: 17p11.2.
Variant type: single nucleotide variant.
Coding change: c.10253T>C on transcript NM_016239.4 (MANE Select); coding-DNA position 10253, T replaced by C.
Protein change: p.Phe3418Ser; replaces phenylalanine 3418 with serine.
Molecular consequence: missense variant.
Genome position (GRCh38, 1-based): chr17:18,172,193, T>C. VCF-style: chr17-18172193-T-C. GRCh37 (hg19) VCF-style: chr17-18075507-T-C.
Other names: short protein forms F3418S.
Identifiers: ClinVar variation 1447471 (VCV001447471.8), dbSNP rs755139806, ClinGen allele CA8425860.